The following is an entry in ClinVar:

NM_017696.3(MCM9):c.1732+2T>C

Gene: MCM9 (minichromosome maintenance 9 homologous recombination repair factor; minus strand). Cytogenetic location: 6q22.31.
Variant type: single nucleotide variant.
Coding change: c.1732+2T>C on transcript NM_017696.3 (MANE Select); the canonical splice donor site of the intron after coding-DNA position 1732, T replaced by C.
Molecular consequence: splice donor variant. On other transcripts: intron variant (1).
Genome position (GRCh38, 1-based): chr6:118,827,925, A>G on the plus strand (T>C on the coding strand, the complement: MCM9 is on the minus strand). VCF-style: chr6-118827925-A-G. GRCh37 (hg19) VCF-style: chr6-119149088-A-G.
Other names: IVS9AS, T-C, +2; c.1606+2T>C (NM_001378366.1); c.1529-1061T>C (NM_001378364.1); c.1732+2T>C (NM_001378360.1, NM_001378356.1, NM_001378359.1 and 1 more transcripts); c.1534+2T>C (NM_001378367.1).
Identifiers: ClinVar variation 156587 (VCV000156587.4), dbSNP rs587777871, ClinGen allele CA170938.
Genomic context (GRCh38, chr6:118,827,925, plus strand): 5'-AGCCCCATGCCTTGCACACACGCAGCATTCAATACAAGCATCATTCGCTGAATGAAATAG[A>G]CCTTCTGCTAATCGTATCAAGCTTTCCAACAGCCGAATGGTGGTCCGGGCAGCGTTCCGG-3'

ClinVar aggregate classification (germline): Pathogenic. Review status: criteria provided, single submitter (1 of 4 stars). 3 submissions from 3 submitters: Pathogenic (1). 2 of the submissions do not count toward it. Last evaluated 2024-02-01.

Conditions:
46,XX ovarian dysgenesis-short stature syndrome (ODG4). Also called: OVARIAN DYSGENESIS 4. Identifiers: Orphanet 444048, MedGen C4015409, MONDO:0014520, OMIM 616185.
Premature ovarian failure 1 (POF1). Also called: FMR1 Primary Ovarian Insufficiency (FXPOI); HYPERGONADOTROPIC OVARIAN FAILURE, X-LINKED; PREMATURE OVARIAN FAILURE, X-LINKED; Fragile x premature ovarian failure; Primary ovarian insufficiency, fragile X-associated; FMR1-Related Primary Ovarian Insufficiency. Identifiers: Orphanet 642691, MedGen C4552079, MONDO:0010706, OMIM 311360.

Allele frequency attached by ClinVar (database versions not stated): gnomAD exomes 0.00001.
gnomAD v4.1: 3 of 1,550,772 alleles (0.00019%); highest among the groups gnomAD compares: Middle Eastern, 0.017%; no homozygotes.

Submissions (3):

Neuberg Centre For Genomic Medicine, NCGM
Classification: Pathogenic for 46,XX ovarian dysgenesis-short stature syndrome. Last evaluated: 2024-02-01. Review status: criteria provided, single submitter. Criteria: ACMG Guidelines, 2015. Collection method: clinical testing. Allele origin: germline. Inheritance: Autosomal recessive inheritance. Affected: yes.
Comment: The splice donor c.1732+2T>C variant in the MCM9 gene has been reported previously in homozygous state in an individual(s) affected with Premature ovarian failure (Wood-Trageser et al., 2014). Loss of function variants has been previously reported to be disease-causing. For the above-mentioned reasons, this variant has been classified as Pathogenic.

OMIM
Classification: Pathogenic for OVARIAN DYSGENESIS 4. Last evaluated: 2014-12-04. Review status: no assertion criteria provided. Collection method: literature only. Allele origin: germline. Not counted in ClinVar's aggregate classification.

Rajkovic Lab, University of Pittsburgh
Classification: Pathogenic for Premature ovarian failure 1. Review status: no assertion criteria provided. Collection method: not provided. Allele origin: inherited. Not counted in ClinVar's aggregate classification.
Comment: 2 female homozygous carriers of this allele presented with primary amenhorrea, short stature, and chromosomal instability
ClinVar note: Converted during submission from pathogenic to Pathogenic.

Literature cited by the submitters: PubMed 25480036 (cited by OMIM).